The following is an entry in ClinVar:

ClinVar aggregate classification (germline): Uncertain significance (1 of 4 stars; one submission).

Conditions:
Hyperinsulinism-hyperammonemia syndrome (HHF6). Identifiers: Orphanet 35878, MedGen C1847555, MONDO:0011717, OMIM 606762.

Submission:

Labcorp Genetics (formerly Invitae), Labcorp
Classification: Uncertain significance for Hyperinsulinism-hyperammonemia syndrome. Last evaluated: 2024-03-08. Review status: criteria provided, single submitter. Criteria: Invitae Variant Classification Sherloc (09022015). Collection method: clinical testing. Allele origin: germline.
Comment: This variant, c.503_505del, results in the deletion of 1 amino acid(s) of the GLUD1 protein (p.Met168del), but otherwise preserves the integrity of the reading frame. This variant is not present in population databases (gnomAD no frequency). This variant has not been reported in the literature in individuals affected with GLUD1-related conditions. Experimental studies and prediction algorithms are not available or were not evaluated, and the functional significance of this variant is currently unknown. In summary, the available evidence is currently insufficient to determine the role of this variant in disease. Therefore, it has been classified as a Variant of Uncertain Significance.

NM_005271.5(GLUD1):c.500TGA[1] (p.Met168del)

Gene: GLUD1 (glutamate dehydrogenase 1; minus strand). Cytogenetic location: 10q23.2.
Variant type: Microsatellite.
Coding change: c.500TGA[1] on transcript NM_005271.5 (MANE Select); one copy of the 3-base unit TGA starting at c.500; the reference has two copies in a row; one copy, 3 bases deleted.
Protein change: p.Met168del; deletes methionine 168.
Molecular consequence: inframe deletion. On other transcripts: initiator codon variant (5).
Genome position (GRCh38, 1-based): chr10:87,076,597-87,076,599, TCA deleted on the plus strand (TGA on the coding strand, the reverse complement: GLUD1 is on the minus strand); deleting any 3 consecutive bases within chr10:87,076,597-87,076,602 gives the same sequence; the position shown is the placement nearest the transcript's 3' end. VCF-style (leftmost placement, unchanged base first): chr10-87076596-GTCA-G. GRCh37 (hg19) VCF-style: chr10-88836353-GTCA-G.
Other names: c.101TGA[1], p.Met35del (NM_001318900.1); c.-2TGA[1], p.Met1del (NM_001318901.1, NM_001318902.1, NM_001318904.2 and 2 more transcripts); short protein forms M168del, M1del, M35del.
Identifiers: ClinVar variation 3626877 (VCV003626877.2).